The following is an entry in ClinVar:

NM_001288705.3(CSF1R):c.13G>C (p.Val5Leu)

Genes: CSF1R (colony stimulating factor 1 receptor; minus strand), LOC111188156 (CSF1R promoter/intronic regulatory region; plus strand). Cytogenetic location: 5q32.
Variant type: single nucleotide variant.
Coding change: c.13G>C on transcript NM_001288705.3 (MANE Select); coding-DNA position 13, G replaced by C.
Protein change: p.Val5Leu; replaces valine 5 with leucine.
Molecular consequence: missense variant. On other transcripts: non-coding transcript variant (1), intron variant (1).
Genome position (GRCh38, 1-based): chr5:150,086,415, C>G on the plus strand (G>C on the coding strand, the complement: CSF1R is on the minus strand). VCF-style: chr5-150086415-C-G. GRCh37 (hg19) VCF-style: chr5-149465978-C-G.
Other names: c.13G>C, p.Val5Leu (NM_001349736.2, NM_001375320.1, NM_005211.4); c.-395-5391G>C (NM_001375321.1); short protein forms V5L.
Identifiers: ClinVar variation 352180 (VCV000352180.5), dbSNP rs761624770, ClinGen allele CA3507322.

ClinVar aggregate classification (germline): Likely benign (1 of 4 stars; one submission).

Conditions:
Hereditary diffuse leukoencephalopathy with spheroids. Also called: LEUKOENCEPHALOPATHY, ADULT-ONSET, WITH AXONAL SPHEROIDS AND PIGMENTED GLIA. Identifiers: Orphanet 313808, MedGen C3711381, MONDO:0030796.

Allele frequency attached by ClinVar (database versions not stated): gnomAD exomes 0.00001; ExAC 0.00002.
gnomAD v4.1: 3 of 1,610,658 alleles (0.00019%); highest among the groups gnomAD compares: Non-Finnish European, 0.00025%; no homozygotes.

Submission:

Illumina Laboratory Services, Illumina
Classification: Likely benign for Leukoencephalopathy, diffuse hereditary, with spheroids 1. Last evaluated: 2018-01-12. Review status: criteria provided, single submitter. Criteria: ICSL Variant Classification Criteria 13 December 2019. Collection method: clinical testing. Allele origin: germline.
Comment: This variant was observed in the ICSL laboratory as part of a predisposition screen in an ostensibly healthy population. It had not been previously curated by ICSL or reported in the Human Gene Mutation Database (HGMD: prior to June 1st, 2018), and was therefore a candidate for classification through an automated scoring system. Utilizing variant allele frequency, disease prevalence and penetrance estimates, and inheritance mode, an automated score was calculated to assess if this variant is too frequent to cause the disease. Based on the score and internal cut-off values, a variant classified as likely benign is not then subjected to further curation. The score for this variant resulted in a classification of likely benign for this disease.